The following is an entry in ClinVar:

ClinVar aggregate classification (germline): Conflicting classifications of pathogenicity. Review status: criteria provided, conflicting classifications (1 of 4 stars). 12 submissions from 12 submitters: Uncertain significance (5); Benign (2); Likely benign (4). 1 of the submissions does not count toward it. Last evaluated 2026-02-03.

Conditions:
Hereditary nonpolyposis colorectal neoplasms. Identifiers: MedGen C0009405, MeSH D003123.
Lynch syndrome 4 (LYNCH4). Also called: Colorectal cancer, hereditary nonpolyposis, type 4; Hereditary non-polyposis colorectal cancer, type 4. Identifiers: Orphanet 144, MedGen C1838333, MONDO:0013699, OMIM 614337. Disease mechanism: loss of function.
Mismatch repair cancer syndrome 4. Identifiers: MedGen C5436817, MONDO:0030843, OMIM 619101.
Hereditary cancer-predisposing syndrome. Also called: Hereditary neoplastic syndrome; Tumor predisposition; Hereditary Cancer Syndrome; Neoplastic Syndromes, Hereditary. Identifiers: Orphanet 140162, MedGen C0027672, MeSH D009386, MONDO:0015356.
Ovarian cancer. Also called: OVARIAN CANCER, SOMATIC. Identifiers: Orphanet 213500, MedGen C1140680, MONDO:0008170, OMIM 167000.
Lynch syndrome. Identifiers: Orphanet 144, MedGen C4552100, MONDO:0005835. Disease mechanism: loss of function.

Allele frequency attached by ClinVar (database versions not stated): gnomAD exomes 0.00001 and 0.00003; TOPMed 0.00001; gnomAD 0.00002; ExAC 0.00004.
gnomAD v4.1: 16 of 1,610,694 alleles (0.00099%); highest among the groups gnomAD compares: East Asian, 0.033%; no homozygotes.

Submissions (12):

Labcorp Genetics (formerly Invitae), Labcorp
Classification: Likely benign for Hereditary nonpolyposis colorectal neoplasms. Last evaluated: 2026-02-03. Review status: criteria provided, single submitter. Criteria: Invitae Variant Classification Sherloc (09022015). Collection method: clinical testing. Allele origin: germline.

Women's Health and Genetics/Laboratory Corporation of America, LabCorp
Classification: Likely benign. Last evaluated: 2025-09-23. Review status: criteria provided, single submitter. Criteria: LabCorp Variant Classification Summary - May 2015. Collection method: clinical testing. Allele origin: germline.
Comment: Variant summary: PMS2 c.139C>G (p.Leu47Val) results in a conservative amino acid change in the encoded protein sequence. Algorithms developed to predict the effect of missense changes on protein structure and function all suggest that this variant is likely to be tolerated. The variant allele was found at a frequency of 9.9e-06 in 1610694 control chromosomes, predominantly at a frequency of 0.00033 within the East Asian subpopulation in the gnomAD database. The observed variant frequency within East Asian control individuals in the gnomAD database exceeds the estimated maximal expected allele frequency for disease-causing variants in PMS2. To our knowledge, no occurrence of c.139C>G in individuals affected with PMS2-related conditions and no experimental evidence demonstrating its impact on protein function have been reported. The following publications have been ascertained in the context of this evaluation (PMID: 38358347, 35449176, 36243179, 38734621, 29905759). ClinVar contains an entry for this variant (Variation ID: 219785). Based on the evidence outlined above, the variant was classified as likely benign.

Color Diagnostics, LLC DBA Color Health
Classification: Benign for Hereditary cancer-predisposing syndrome. Last evaluated: 2024-10-17. Review status: criteria provided, single submitter. Criteria: ACMG Guidelines, 2015. Collection method: clinical testing. Allele origin: germline.

GeneDx
Classification: Uncertain significance. Last evaluated: 2024-06-24. Review status: criteria provided, single submitter. Criteria: GeneDx Variant Classification Process June 2021. Collection method: clinical testing. Allele origin: germline. Affected: yes.
Comment: In silico analysis indicates that this missense variant does not alter protein structure/function; This variant is associated with the following publications: (PMID: 11574484, 29684080, 33471991, 35449176, 36243179)

Fulgent Genetics
Classification: Uncertain significance for Lynch syndrome 4; Mismatch repair cancer syndrome 4. Last evaluated: 2024-02-07. Review status: criteria provided, single submitter. Criteria: ACMG Guidelines, 2015. Collection method: clinical testing. Allele origin: germline.

Baylor Genetics
Classification: Uncertain significance for Lynch syndrome 4. Last evaluated: 2024-01-10. Review status: criteria provided, single submitter. Criteria: ACMG Guidelines, 2015. Collection method: clinical testing. Allele origin: unknown.

All of Us Research Program, National Institutes of Health
Classification: Likely benign for Lynch syndrome. Last evaluated: 2023-11-30. Review status: criteria provided, single submitter. Criteria: ACMG Guidelines, 2015. Collection method: clinical testing. Allele origin: germline. Inheritance: Autosomal dominant inheritance. Observed: 5 variant alleles, 5 heterozygotes.
Comment: This study involves interpretation of variants in research participants for the purpose of population health screening. Participant phenotype was not available at the time of variant classification. Additional details can be found in publication PMID: 35346344, PMCID: PMC8962531

Myriad Genetics, Inc.
Classification: Uncertain significance for Lynch syndrome 4. Last evaluated: 2023-04-04. Review status: criteria provided, single submitter. Criteria: Myriad Autosomal Dominant, Autosomal Recessive and X-Linked Classification Criteria (2023). Collection method: clinical testing. Allele origin: unknown.
Comment: This variant is classified as a variant of uncertain significance as there is insufficient evidence to determine its impact on protein function and/or cancer risk.

Laboratory of Molecular Epidemiology of Birth Defects, West China Second University Hospital, Sichuan University
Classification: Benign for Ovarian cancer. Last evaluated: 2022-01-01. Review status: criteria provided, single submitter. Criteria: ACMG Guidelines, 2015. Collection method: clinical testing. Allele origin: germline. Affected: yes.

Sema4
Classification: Uncertain significance for Hereditary cancer-predisposing syndrome. Last evaluated: 2021-12-23. Review status: criteria provided, single submitter. Criteria: Sema4 Curation Guidelines. Collection method: curation. Allele origin: germline.
Comment: The PMS2 c.139C>G (p.L47V) variant has been reported in one individual with uterine carcinosarcoma (PMID: 29684080). It was also reported in a large breast cancer study in 6/60466 breast cancer cases and 2/53461 controls (PMID:33471991). It was observed in 7/18274 chromosomes of the East Asian subpopulation in the large and broad cohorts of the Genome Aggregation Database (PMID: 32461654). The variant has been reported in ClinVar (Variation ID 219785). Functional studies have not been performed, and in silico predictions of the variant's effect on protein function are inconclusive. The evidence is insufficient to meet ACMG/AMP criteria for classifying the variant as benign or pathogenic. Thus, the clinical significance of this variant is currently uncertain.

Ambry Genetics
Classification: Likely benign for Hereditary cancer-predisposing syndrome. Last evaluated: 2018-03-23. Review status: criteria provided, single submitter. Criteria: Ambry Variant Classification Scheme 2023. Collection method: clinical testing. Allele origin: germline.

Counsyl
Classification: Uncertain significance for Lynch syndrome 4. Last evaluated: 2017-02-14. Review status: no assertion criteria provided. Collection method: clinical testing. Allele origin: unknown. Not counted in ClinVar's aggregate classification.

Literature cited by the submitters: PubMed 35449176 (cited by Women's Health and Genetics/Laboratory Corporation of America, LabCorp); PubMed 36243179 (cited by Women's Health and Genetics/Laboratory Corporation of America, LabCorp); PubMed 29905759 (cited by Women's Health and Genetics/Laboratory Corporation of America, LabCorp); PubMed 38358347 (cited by Women's Health and Genetics/Laboratory Corporation of America, LabCorp); PubMed 38734621 (cited by Women's Health and Genetics/Laboratory Corporation of America, LabCorp); PubMed 29684080 (cited by Sema4); PubMed 33471991 (cited by Sema4).

NM_000535.7(PMS2):c.139C>G (p.Leu47Val)

Gene: PMS2 (PMS1 homolog 2, mismatch repair system component; minus strand). Cytogenetic location: 7p22.1.
Variant type: single nucleotide variant.
Coding change: c.139C>G on transcript NM_000535.7 (MANE Select); coding-DNA position 139, C replaced by G.
Protein change: p.Leu47Val; replaces leucine 47 with valine.
Molecular consequence: missense variant. On other transcripts: 5 prime UTR variant (8), non-coding transcript variant (1), intron variant (3).
Genome position (GRCh38, 1-based): chr7:6,005,916, G>C on the plus strand (C>G on the coding strand, the complement: PMS2 is on the minus strand). VCF-style: chr7-6005916-G-C. GRCh37 (hg19) VCF-style: chr7-6045547-G-C.
Other names: c.-267C>G (NM_001322003.2, NM_001322005.2, NM_001322009.2 and 1 more transcripts); c.139C>G, p.Leu47Val (NM_001322006.2, NM_001322014.2); c.-77C>G (NM_001322007.2); c.-746C>G (NM_001322011.2, NM_001322012.2); c.-346C>G (NM_001322015.2); c.-52-1858C>G (NM_001322008.2); c.-242-1858C>G (NM_001322010.2, NM_001322004.2); short protein forms L47V.
Identifiers: ClinVar variation 219785 (VCV000219785.30), dbSNP rs766203500, ClinGen allele CA043361.